The following is an entry in ClinVar:

ClinVar aggregate classification (germline): Conflicting classifications of pathogenicity. Review status: criteria provided, conflicting classifications (1 of 4 stars). 2 submissions from 2 submitters: Uncertain significance (1); Likely benign (1). Last evaluated 2025-11-24.

Conditions:
Inborn genetic diseases. Identifiers: MedGen C0950123, MeSH D030342.

Allele frequency attached by ClinVar (database versions not stated): gnomAD 0.00003; TOPMed 0.00003; gnomAD exomes 0.00004; ExAC 0.00007; 1000 Genomes Project 30x 0.00016; 1000 Genomes Project 0.00020.
gnomAD v4.1: 70 of 1,614,188 alleles (0.0043%); highest among the groups gnomAD compares: South Asian, 0.019%; 1 homozygote.

Submissions (2):

Labcorp Genetics (formerly Invitae), Labcorp
Classification: Uncertain significance. Last evaluated: 2025-11-24. Review status: criteria provided, single submitter. Criteria: Invitae Variant Classification Sherloc (09022015). Collection method: clinical testing. Allele origin: germline.
Comment: This sequence change replaces valine, which is neutral and non-polar, with isoleucine, which is neutral and non-polar, at codon 343 of the EPAS1 protein (p.Val343Ile). This variant is present in population databases (rs574490008, gnomAD 0.02%). This variant has not been reported in the literature in individuals affected with EPAS1-related conditions. ClinVar contains an entry for this variant (Variation ID: 3089351). An algorithm developed to predict the effect of missense changes on protein structure and function (PolyPhen-2) suggests that this variant is likely to be disruptive. In summary, the available evidence is currently insufficient to determine the role of this variant in disease. Therefore, it has been classified as a Variant of Uncertain Significance.

Ambry Genetics
Classification: Likely benign for Inborn genetic diseases. Last evaluated: 2023-10-16. Review status: criteria provided, single submitter. Criteria: Ambry Variant Classification Scheme 2023. Collection method: clinical testing. Allele origin: germline.

NM_001430.5(EPAS1):c.1027G>A (p.Val343Ile)

Gene: EPAS1 (endothelial PAS domain protein 1; plus strand). Cytogenetic location: 2p21.
Variant type: single nucleotide variant.
Coding change: c.1027G>A on transcript NM_001430.5 (MANE Select); coding-DNA position 1027, G replaced by A.
Protein change: p.Val343Ile; replaces valine 343 with isoleucine.
Molecular consequence: missense variant.
Genome position (GRCh38, 1-based): chr2:46,375,830, G>A. VCF-style: chr2-46375830-G-A. GRCh37 (hg19) VCF-style: chr2-46602969-G-A.
Other names: short protein forms V343I.
Identifiers: ClinVar variation 3089351 (VCV003089351.2), dbSNP rs574490008, ClinGen allele CA1644843.